The following is an entry in ClinVar:

ClinVar aggregate classification (germline): Pathogenic (0 of 4 stars; one submission).

Conditions:
TMPRSS6-related disorder. Also called: TMPRSS6-related condition.

Submission:

PreventionGenetics, part of Exact Sciences
Classification: Pathogenic for TMPRSS6-related condition. Last evaluated: 2024-04-25. Review status: no assertion criteria provided. Collection method: clinical testing. Allele origin: germline.
Comment: The TMPRSS6 c.966delC variant is predicted to result in a frameshift and premature protein termination (p.Phe323Serfs*15). To our knowledge, this variant has not been reported in the literature or in a large population database, indicating this variant is rare. Frameshift variants in TMPRSS6 are expected to be pathogenic. This variant is interpreted as pathogenic.

NM_001374504.1(TMPRSS6):c.939del (p.Phe314fs)

Gene: TMPRSS6 (transmembrane serine protease 6; minus strand). Cytogenetic location: 22q12.3.
Variant type: Deletion.
Coding change: c.939del on transcript NM_001374504.1 (MANE Select); coding-DNA position 939, one base deleted (C; older notation c.939delC).
Protein change: p.Phe314fs; shifts the reading frame from phenylalanine 314.
Molecular consequence: frameshift variant.
Genome position (GRCh38, 1-based): chr22:37,086,317, G deleted on the plus strand (C on the coding strand, the reverse complement: TMPRSS6 is on the minus strand); the first of 4 consecutive G bases (chr22:37,086,317-37,086,320); deleting any one gives the same sequence. VCF-style (leftmost placement, unchanged base first): chr22-37086316-AG-A. GRCh37 (hg19) VCF-style: chr22-37482356-AG-A.
Other names: c.939del, p.Phe314fs (NM_001289000.2, NM_001289001.2, NM_153609.4); short protein forms F314fs.
Identifiers: ClinVar variation 3347407 (VCV003347407.1).